The following is an entry in ClinVar:

NM_001278064.2(GRM1):c.2368A>G (p.Thr790Ala)

Gene: GRM1 (glutamate metabotropic receptor 1; plus strand). Cytogenetic location: 6q24.3.
Variant type: single nucleotide variant.
Coding change: c.2368A>G on transcript NM_001278064.2 (MANE Select); coding-DNA position 2368, A replaced by G.
Protein change: p.Thr790Ala; replaces threonine 790 with alanine.
Molecular consequence: missense variant.
Genome position (GRCh38, 1-based): chr6:146,399,407, A>G. VCF-style: chr6-146399407-A-G. GRCh37 (hg19) VCF-style: chr6-146720543-A-G.
Other names: c.2368A>G, p.Thr790Ala (NM_001278065.2, NM_001278066.1, NM_001278067.1); short protein forms T790A.
Identifiers: ClinVar variation 4874726 (VCV004874726.2).

ClinVar aggregate classification (germline): Uncertain significance (1 of 4 stars; one submission).

Submission:

CeGaT Center for Human Genetics Tuebingen
Classification: Uncertain significance. Last evaluated: 2026-04-01. Review status: criteria provided, single submitter. Criteria: CeGaT Center For Human Genetics Tuebingen Variant Classification Criteria Version 2. Collection method: clinical testing. Allele origin: germline. Affected: yes. Observed: 1 variant allele.
Comment: GRM1: PM2, PP2, PP3